The following is an entry in ClinVar:

NM_032043.3(BRIP1):c.2914G>A (p.Val972Ile)

Gene: BRIP1 (BRCA1 interacting DNA helicase 1; minus strand). Cytogenetic location: 17q23.2.
Variant type: single nucleotide variant.
Coding change: c.2914G>A on transcript NM_032043.3 (MANE Select); coding-DNA position 2914, G replaced by A.
Protein change: p.Val972Ile; replaces valine 972 with isoleucine.
Molecular consequence: missense variant.
Genome position (GRCh38, 1-based): chr17:61,684,132, C>T on the plus strand (G>A on the coding strand, the complement: BRIP1 is on the minus strand). VCF-style: chr17-61684132-C-T. GRCh37 (hg19) VCF-style: chr17-59761493-C-T.
Other names: short protein forms V972I.
Identifiers: ClinVar variation 186793 (VCV000186793.25), dbSNP rs786203224, ClinGen allele CA195885.

ClinVar aggregate classification (germline): Conflicting classifications of pathogenicity. Review status: criteria provided, conflicting classifications (1 of 4 stars). 7 submissions from 7 submitters: Uncertain significance (5); Likely benign (1). 1 of the submissions does not count toward it. Last evaluated 2025-01-07.

Conditions:
Familial cancer of breast. Also called: BREAST CANCER, FAMILIAL; Hereditary breast cancer; hereditary breast carcinoma. Identifiers: Orphanet 227535, MedGen C0346153, MONDO:0016419, OMIM 114480. Disease mechanism: loss of function.
Fanconi anemia complementation group J. Also called: BRIP1-Related Fanconi Anemia. Identifiers: Orphanet 84, MedGen C1836860, MONDO:0012187, OMIM 609054.
Ovarian cancer. Also called: OVARIAN CANCER, SOMATIC. Identifiers: Orphanet 213500, MedGen C1140680, MONDO:0008170, OMIM 167000.
Hereditary cancer-predisposing syndrome. Also called: Hereditary Cancer Syndrome; Neoplastic Syndromes, Hereditary; Tumor predisposition; Hereditary neoplastic syndrome. Identifiers: Orphanet 140162, MedGen C0027672, MeSH D009386, MONDO:0015356.

Allele frequency attached by ClinVar (database versions not stated): gnomAD exomes below 0.00001 and 0.00001; TOPMed below 0.00001.
gnomAD v4.1: 5 of 1,613,574 alleles (0.00031%); highest among the groups gnomAD compares: Non-Finnish European, 0.00042%; no homozygotes.

Submissions (7):

Labcorp Genetics (formerly Invitae), Labcorp
Classification: Uncertain significance for Familial cancer of breast; Fanconi anemia complementation group J. Last evaluated: 2025-01-07. Review status: criteria provided, single submitter. Criteria: Invitae Variant Classification Sherloc (09022015). Collection method: clinical testing. Allele origin: germline.
Comment: This sequence change replaces valine, which is neutral and non-polar, with isoleucine, which is neutral and non-polar, at codon 972 of the BRIP1 protein (p.Val972Ile). This variant is present in population databases (rs786203224, gnomAD 0.002%). This missense change has been observed in individual(s) with pancreatic cancer or breast cancer (PMID: 28767289, 35264596). ClinVar contains an entry for this variant (Variation ID: 186793). Invitae Evidence Modeling of protein sequence and biophysical properties (such as structural, functional, and spatial information, amino acid conservation, physicochemical variation, residue mobility, and thermodynamic stability) indicates that this missense variant is not expected to disrupt BRIP1 protein function with a negative predictive value of 95%. In summary, the available evidence is currently insufficient to determine the role of this variant in disease. Therefore, it has been classified as a Variant of Uncertain Significance.

Ambry Genetics
Classification: Likely benign for Hereditary cancer-predisposing syndrome. Last evaluated: 2023-11-02. Review status: criteria provided, single submitter. Criteria: Ambry Variant Classification Scheme 2023. Collection method: clinical testing. Allele origin: germline.

Color Diagnostics, LLC DBA Color Health
Classification: Uncertain significance for Hereditary cancer-predisposing syndrome. Last evaluated: 2023-04-06. Review status: criteria provided, single submitter. Criteria: ACMG Guidelines, 2015. Collection method: clinical testing. Allele origin: germline.
Comment: This missense variant replaces valine with isoleucine at codon 972 of the BRIP1 protein. Computational prediction suggests that this variant may not impact protein structure and function (internally defined REVEL score threshold <= 0.5, PMID: 27666373). To our knowledge, functional studies have not been reported for this variant. This variant has been reported in an individual affected with pancreatic cancer (PMID: 28767289). This variant has also been identified in 2/250750 chromosomes in the general population by the Genome Aggregation Database (gnomAD). The available evidence is insufficient to determine the role of this variant in disease conclusively. Therefore, this variant is classified as a Variant of Uncertain Significance.

Myriad Genetics, Inc.
Classification: Uncertain significance for Familial cancer of breast. Last evaluated: 2023-02-28. Review status: criteria provided, single submitter. Criteria: Myriad Autosomal Dominant, Autosomal Recessive and X-Linked Classification Criteria (2023). Collection method: clinical testing. Allele origin: unknown.
Comment: This variant is classified as a variant of uncertain significance as there is insufficient evidence to determine its impact on protein function and/or cancer risk.

GeneDx
Classification: Uncertain significance. Last evaluated: 2022-06-10. Review status: criteria provided, single submitter. Criteria: GeneDx Variant Classification Process June 2021. Collection method: clinical testing. Allele origin: germline. Affected: yes.
Comment: Not observed at significant frequency in large population cohorts (gnomAD); In silico analysis supports that this missense variant does not alter protein structure/function; Identified in patients with pancreatic cancer (Shindo 2017, Hu 2020); This variant is associated with the following publications: (PMID: 11301010, 28767289, 32659497)

Mendelics
Classification: Uncertain significance for Familial cancer of breast. Last evaluated: 2019-05-28. Review status: criteria provided, single submitter. Criteria: Mendelics Assertion Criteria 2017. Collection method: clinical testing. Allele origin: unknown.

Counsyl
Classification: Uncertain significance for Fanconi anemia complementation group J; Ovarian cancer. Last evaluated: 2018-01-15. Review status: no assertion criteria provided. Collection method: clinical testing. Allele origin: unknown. Not counted in ClinVar's aggregate classification.

Literature cited by the submitters: PubMed 28767289 (cited by 3 submitters); PubMed 35264596 (cited by Labcorp Genetics (formerly Invitae), Labcorp and Ambry Genetics).